The following is an entry in ClinVar:

NM_014014.5(SNRNP200):c.2183G>T (p.Arg728Leu)

Gene: SNRNP200 (small nuclear ribonucleoprotein U5 subunit 200; minus strand). Cytogenetic location: 2q11.2.
Variant type: single nucleotide variant.
Coding change: c.2183G>T on transcript NM_014014.5 (MANE Select); coding-DNA position 2183, G replaced by T.
Protein change: p.Arg728Leu; replaces arginine 728 with leucine.
Molecular consequence: missense variant.
Genome position (GRCh38, 1-based): chr2:96,291,878, C>A on the plus strand (G>T on the coding strand, the complement: SNRNP200 is on the minus strand). VCF-style: chr2-96291878-C-A. GRCh37 (hg19) VCF-style: chr2-96957616-C-A.
Other names: short protein forms R728L.
Identifiers: ClinVar variation 801732 (VCV000801732.2), dbSNP rs1477839027, ClinGen allele CA347678395.

ClinVar aggregate classification (germline): Uncertain significance (1 of 4 stars; one submission).

Conditions:
Retinitis pigmentosa (RP). Identifiers: Orphanet 791, MedGen C0035334, MeSH D012174, MONDO:0019200, OMIM 268000. Inheritance: Autosomal dominant, autosomal recessive and X linked inheritance.

Submission:

Mendelics
Classification: Uncertain significance for Retinitis pigmentosa. Last evaluated: 2024-09-27. Review status: criteria provided, single submitter. Criteria: Mendelics Assertion Criteria 2017. Collection method: clinical testing. Allele origin: unknown.
Comment: Reclassified on 2024-09-27: result p.Arg728Leu. Not described previously in the literature. Although expected deleterious by in-silico algorithms, there are detailed clinical information related to this test and no familiar screening was performed.